The following is an entry in ClinVar:

ClinVar aggregate classification (germline): Uncertain significance (1 of 4 stars; one submission).

Conditions:
Spermatogenic failure 18. Identifiers: MedGen C4539783, MONDO:0054615, OMIM 617576.
Ciliary dyskinesia, primary, 37 (CILD37). Also called: CILIARY DYSKINESIA, PRIMARY, 37, WITH OR WITHOUT SITUS INVERSUS. Identifiers: MedGen C4539798, MONDO:0033204, OMIM 617577.

gnomAD v4.1: 165 of 1,613,120 alleles (0.01%); highest among the groups gnomAD compares: Non-Finnish European, 0.014%; no homozygotes.

Submission:

Labcorp Genetics (formerly Invitae), Labcorp
Classification: Uncertain significance for Ciliary dyskinesia, primary, 37; Spermatogenic failure 18. Last evaluated: 2024-02-17. Review status: criteria provided, single submitter. Criteria: Invitae Variant Classification Sherloc (09022015). Collection method: clinical testing. Allele origin: germline.
Comment: This sequence change replaces alanine, which is neutral and non-polar, with serine, which is neutral and polar, at codon 2881 of the DNAH1 protein (p.Ala2881Ser). This variant is present in population databases (rs370257194, gnomAD 0.01%). This variant has not been reported in the literature in individuals affected with DNAH1-related conditions. ClinVar contains an entry for this variant (Variation ID: 1363399). Advanced modeling of protein sequence and biophysical properties (such as structural, functional, and spatial information, amino acid conservation, physicochemical variation, residue mobility, and thermodynamic stability) has been performed at Invitae for this missense variant, however the output from this modeling did not meet the statistical confidence thresholds required to predict the impact of this variant on DNAH1 protein function. In summary, the available evidence is currently insufficient to determine the role of this variant in disease. Therefore, it has been classified as a Variant of Uncertain Significance.

NM_015512.5(DNAH1):c.8641G>T (p.Ala2881Ser)

Gene: DNAH1 (dynein axonemal heavy chain 1; plus strand). Cytogenetic location: 3p21.1.
Variant type: single nucleotide variant.
Coding change: c.8641G>T on transcript NM_015512.5 (MANE Select); coding-DNA position 8641, G replaced by T.
Protein change: p.Ala2881Ser; replaces alanine 2881 with serine.
Molecular consequence: missense variant.
Genome position (GRCh38, 1-based): chr3:52,386,175, G>T. VCF-style: chr3-52386175-G-T. GRCh37 (hg19) VCF-style: chr3-52420191-G-T.
Other names: short protein forms A2881S.
Identifiers: ClinVar variation 1363399 (VCV001363399.7), dbSNP rs370257194, ClinGen allele CA2435282.
Genomic context (GRCh38, chr3:52,386,175, plus strand): 5'-AGAAGAGAAAAGGGGGGAGGACATCCCTATGTCTCCCATCCCCAGGTGGATACGGCCATC[G>T]CCGAGGAGACCCGGAATTCAGTGCAGACAGAGGAGATCAAAGCCAATGAGAAGGCCAAGA-3'
Protein context (NP_056327.4, residues 2871-2891): MEQIKVDTAI[Ala2881Ser]EETRNSVQTE